The following is an entry in ClinVar:

NM_020318.3(PAPPA2):c.2958del (p.Leu987fs)

Gene: PAPPA2 (pappalysin 2; plus strand). Cytogenetic location: 1q25.2.
Variant type: Deletion.
Coding change: c.2958del on transcript NM_020318.3 (MANE Select); coding-DNA position 2958, one base deleted (C; older notation c.2958delC).
Protein change: p.Leu987fs; shifts the reading frame from leucine 987.
Molecular consequence: frameshift variant.
Genome position (GRCh38, 1-based): chr1:176,699,311, C deleted. VCF-style (leftmost placement, unchanged base first): chr1-176699310-TC-T. GRCh37 (hg19) VCF-style: chr1-176668446-TC-T.
Other names: c.2958delC (NM_020318.3); short protein forms L987fs.
Identifiers: ClinVar variation 4845794 (VCV004845794.1).
Genomic context (GRCh38, chr1:176,699,310, plus strand): 5'-TCACCCTGTGGGTCACTTCCTTCTTCATGGAGTCCTCGCAGGTCCTCTTTGACACAGAGA[TC>T]TTGCTGGAAAACAAGGAGTCAGTGCACCTGGGCCCCTTAGACACTTTCTGTGACATCCCA-3'

ClinVar aggregate classification (germline): Likely pathogenic (1 of 4 stars; one submission).

Conditions:
Short stature, Dauber-Argente type. Identifiers: MedGen C5561968, MONDO:0859182, OMIM 619489.

Submission:

First Genomix Gene Laboratory, Genetic Diagnostics Department
Classification: Likely pathogenic for Short stature, Dauber-Argente type. Last evaluated: 2025-03-26. Review status: criteria provided, single submitter. Criteria: ACMG Guidelines, 2015. Collection method: clinical testing. Allele origin: germline. Inheritance: Autosomal recessive inheritance. Affected: no. Observed: 1 variant allele.